The following is an entry in ClinVar:

ClinVar aggregate classification (germline): Pathogenic. Review status: reviewed by expert panel (3 of 4 stars). 25 submissions from 24 submitters: Pathogenic (1). 24 of the submissions do not count toward it. Last evaluated 2017-03-17.

Conditions:
CFTR-related disorder (CFTR-RD). Also called: CFTR-related disorders; CFTR-related condition. Identifiers: MedGen C5924204, MONDO:7770004.
Cystic fibrosis (CF). Also called: MUCOVISCIDOSIS. Identifiers: Orphanet 586, MedGen C0010674, MONDO:0009061, OMIM 219700. Disease mechanism: loss of function.
Congenital bilateral aplasia of vas deferens from CFTR mutation (CBAVD). Identifiers: Orphanet 48, MedGen C0403814, MONDO:0010178, OMIM 277180. Disease mechanism: loss of function.
Hereditary pancreatitis (PCTT). Also called: Hereditary chronic pancreatitis; PRSS1-Related Hereditary Pancreatitis. Identifiers: Orphanet 676, MedGen C0238339, MONDO:0008185, OMIM 167800.
Bronchiectasis with or without elevated sweat chloride 1 (BESC1). Also called: Cystic Fibrosis-Like Syndrome. Identifiers: Orphanet 60033, MedGen C2749757, MONDO:0008887, OMIM 211400.

Allele frequency attached by ClinVar (database versions not stated): gnomAD 0.00003 and 0.00002; TOPMed 0.00003; ExAC 0.00004; gnomAD exomes 0.00003.
gnomAD v4.1: 45 of 1,612,844 alleles (0.0028%); highest among the groups gnomAD compares: Middle Eastern, 0.016%; no homozygotes.

Submissions 1 to 15 of 25:

CFTR2
Classification: Pathogenic for Cystic fibrosis. Last evaluated: 2017-03-17. Review status: reviewed by expert panel. Criteria: Sosnay PR et al. (Nat Genet 2013). Collection method: research. Allele origin: germline. Affected: yes. Study: CFTR2.

Labcorp Genetics (formerly Invitae), Labcorp
Classification: Pathogenic for Cystic fibrosis. Last evaluated: 2025-12-06. Review status: criteria provided, single submitter. Criteria: Invitae Variant Classification Sherloc (09022015). Collection method: clinical testing. Allele origin: germline. Not counted in ClinVar's aggregate classification.
Comment: This sequence change creates a premature translational stop signal (p.Arg1158*) in the CFTR gene. It is expected to result in an absent or disrupted protein product. Loss-of-function variants in CFTR are known to be pathogenic (PMID: 1695717, 7691345, 9725922). This variant is present in population databases (rs79850223, gnomAD 0.01%). This premature translational stop signal has been observed in individual(s) with cystic fibrosis and/or congenital bilateral absence of the vas deferens (PMID: 22020151, 22658665, 23974870). ClinVar contains an entry for this variant (Variation ID: 7144). For these reasons, this variant has been classified as Pathogenic.

PreventionGenetics, part of Exact Sciences
Classification: Pathogenic for CFTR-related condition. Last evaluated: 2025-10-21. Review status: criteria provided, single submitter. Criteria: ACMG Guidelines, 2015. Collection method: clinical testing. Allele origin: germline. Not counted in ClinVar's aggregate classification.
Comment: The CFTR c.3472C>T variant is predicted to result in premature protein termination (p.Arg1158*). This variant has been reported in many unrelated individuals to be causative for cystic fibrosis and CFTR-related disease (Ronchetto et al.1992. PubMed ID: 1371265; Frossard et al. 2000. PubMed ID: 11005149; Amato et al. 2012. PubMed ID: 22020151; Ooi et al. 2012. PubMed ID: 22658665; Sosnay et al. 2013. PubMed ID: 23974870). This variant is reported in 0.013% of alleles in individuals of South Asian descent in gnomAD. Nonsense variants in CFTR are expected to be pathogenic. This variant is interpreted as pathogenic.

Natera, Inc.
Classification: Pathogenic for CFTR-related disorders. Last evaluated: 2025-09-22. Review status: criteria provided, single submitter. Criteria: Natera Variant Classification Schema (03/2026). Collection method: clinical testing. Allele origin: germline. Not counted in ClinVar's aggregate classification.
Comment: The c.3472C>T variant in CFTR is a nonsense variant predicted to introduce a stop codon at amino acid 1158. This variant is expected to result in nonsense mediated decay, truncation, or a dysfunctional protein product. This variant is rare in the general population with a frequency below the threshold expected for the associated phenotype(s). This variant has been observed in one or more individuals affected with the associated recessive disease, as either homozygous or compound heterozygous with a second variant (PMID: 25583415, 32026723). Given the available evidence, this variant is classified as Pathogenic.

Johns Hopkins Genomics, Johns Hopkins University
Classification: Pathogenic for Cystic fibrosis. Last evaluated: 2025-04-07. Review status: criteria provided, single submitter. Criteria: ACMG Guidelines, 2015. Collection method: clinical testing. Allele origin: germline. Not counted in ClinVar's aggregate classification.
Comment: Disease-causing CFTR variant. See CFTR2 for phenotype information.

Genomic Medicine Center of Excellence, King Faisal Specialist Hospital and Research Centre
Classification: Pathogenic for Cystic fibrosis. Last evaluated: 2024-12-18. Review status: criteria provided, single submitter. Criteria: ACMG Guidelines, 2015. Collection method: clinical testing. Allele origin: germline. Not counted in ClinVar's aggregate classification.

3billion
Classification: Pathogenic for Cystic fibrosis. Last evaluated: 2024-11-15. Review status: criteria provided, single submitter. Criteria: ACMG Guidelines, 2015. Collection method: clinical testing. Allele origin: germline. Affected: yes. Not counted in ClinVar's aggregate classification.
Comment: The variant is observed at an extremely low frequency in the gnomAD v4.1.0 dataset (total allele frequency: 0.003%). Predicted Consequence/Location: Stop-gained (nonsense): predicted to result in a loss or disruption of normal protein function through nonsense-mediated decay (NMD) or protein truncation. Multiple pathogenic variants are reported downstream of the variant. The variant has been reported multiple times as an established pathogenic variant (ClinVar ID: VCV000007144 /PMID: 1371265). Therefore, this variant is classified as Pathogenic according to the recommendation of ACMG/AMP guideline.

Dubai Health Genomic Medicine Center, Dubai Health
Classification: Pathogenic for Cystic fibrosis. Last evaluated: 2024-10-04. Review status: criteria provided, single submitter. Criteria: ACMG Guidelines, 2015. Collection method: research. Allele origin: germline. Affected: yes. Not counted in ClinVar's aggregate classification.
Comment: PVS1(strong),PM3(strong),PM2

Fulgent Genetics
Classification: Pathogenic for Hereditary pancreatitis; Bronchiectasis with or without elevated sweat chloride 1; Cystic fibrosis; Congenital bilateral aplasia of vas deferens from CFTR mutation. Last evaluated: 2024-01-30. Review status: criteria provided, single submitter. Criteria: ACMG Guidelines, 2015. Collection method: clinical testing. Allele origin: germline. Not counted in ClinVar's aggregate classification.

Baylor Genetics
Classification: Pathogenic for Bronchiectasis with or without elevated sweat chloride 1. Last evaluated: 2023-12-13. Review status: criteria provided, single submitter. Criteria: ACMG Guidelines, 2015. Collection method: clinical testing. Allele origin: unknown. Not counted in ClinVar's aggregate classification.

Ambry Genetics
Classification: Pathogenic for Cystic fibrosis. Last evaluated: 2022-07-06. Review status: criteria provided, single submitter. Criteria: Ambry Variant Classification Scheme 2023. Collection method: clinical testing. Allele origin: germline. Not counted in ClinVar's aggregate classification.
Comment: The p.R1158* pathogenic mutation (also known as c.3472C>T) is located in coding exon 22 of the CFTR gene. This alteration results from a C to T substitution at nucleotide position 3472. The arginine at codon 1158 is replaced by a stop codon within coding exon 22. This alteration has been reported in individuals with cystic fibrosis (Ronchetto P et al. Genomics. 1992;12(2):417-418; Castaldo G et al. Clin Chem. 1999;45(7):957-962; Frossard et al. Clin Genet. 2000;58:147-9; Sosnay PR et al. Nat Genet. 2013;45(10):1160-7). In addition to the clinical data presented in the literature, this alteration is expected to result in loss of function by premature protein truncation or nonsense-mediated mRNA decay. As such, this alteration is interpreted as a disease-causing mutation.

Quest Diagnostics Nichols Institute San Juan Capistrano
Classification: Pathogenic. Last evaluated: 2020-08-10. Review status: criteria provided, single submitter. Criteria: Quest Diagnostics criteria. Collection method: clinical testing. Allele origin: unknown. Not counted in ClinVar's aggregate classification.
Comment: The variant creates a premature nonsense codon, and is therefore predicted to result in the loss of a functional protein. Found in at least one patient with expected phenotype for this gene, and found in general population data at a frequency that is consistent with pathogenicity.

Myriad Genetics, Inc.
Classification: Pathogenic for Cystic fibrosis. Last evaluated: 2019-11-11. Review status: criteria provided, single submitter. Criteria: Myriad Women's Health Autosomal Recessive and X-Linked Classification Criteria (2019). Collection method: clinical testing. Allele origin: unknown. Not counted in ClinVar's aggregate classification.
Comment: NM_000492.3(CFTR):c.3472C>T(R1158*) is classified as pathogenic in the context of cystic fibrosis and is associated with the classic form of disease. Sources cited for classification include the following: PMID 23974870 and 21909392. Classification of NM_000492.3(CFTR):c.3472C>T(R1158*) is based on the following criteria: The variant causes a premature termination codon that is expected to be targeted by nonsense-mediated mRNA decay and is reported in individuals with the relevant phenotype. Please note: this variant was assessed in the context of healthy population screening.â€šÃ„Ã¶âˆšÃ‘âˆšÂ£

Mendelics
Classification: Pathogenic for Cystic fibrosis. Last evaluated: 2018-11-05. Review status: criteria provided, single submitter. Criteria: Mendelics Assertion Criteria 2017. Collection method: clinical testing. Allele origin: unknown. Affected: yes. Not counted in ClinVar's aggregate classification.

CFTR-France
Classification: Pathogenic for cystic fibrosis. Last evaluated: 2018-01-29. Review status: criteria provided, single submitter. Criteria: Claustres M et al. (Hum Mutat 2017). Collection method: curation. Allele origin: germline. Affected: yes. Not counted in ClinVar's aggregate classification.

NM_000492.4(CFTR):c.3472C>T (p.Arg1158Ter)

Genes: CFTR (CF transmembrane conductance regulator; plus strand), CFTR-AS2 (CFTR antisense RNA 2; minus strand). Cytogenetic location: 7q31.2.
Variant type: single nucleotide variant.
Coding change: c.3472C>T on transcript NM_000492.4 (MANE Select); coding-DNA position 3472, C replaced by T.
Protein change: p.Arg1158Ter; replaces arginine 1158 with a stop codon.
Molecular consequence: nonsense.
Genome position (GRCh38, 1-based): chr7:117,627,525, C>T. VCF-style: chr7-117627525-C-T. GRCh37 (hg19) VCF-style: chr7-117267579-C-T.
Other names: p.Arg11585Ter; short protein forms R1158*.
Identifiers: ClinVar variation 7144 (VCV000007144.48), dbSNP rs79850223, ClinGen allele CA325537.